The following is an entry in ClinVar:

NM_001375524.1(TRRAP):c.4829T>G (p.Val1610Gly)

Gene: TRRAP (transformation/transcription domain associated protein; plus strand). Cytogenetic location: 7q22.1.
Variant type: single nucleotide variant.
Coding change: c.4829T>G on transcript NM_001375524.1 (MANE Select); coding-DNA position 4829, T replaced by G.
Protein change: p.Val1610Gly; replaces valine 1610 with glycine.
Molecular consequence: missense variant.
Genome position (GRCh38, 1-based): chr7:98,949,457, T>G. VCF-style: chr7-98949457-T-G. GRCh37 (hg19) VCF-style: chr7-98547080-T-G.
Other names: c.4808T>G, p.Val1603Gly (NM_001244580.2); c.4754T>G, p.Val1585Gly (NM_003496.4); c.4808T>G (NM_001244580.1); short protein forms V1603G, V1585G, V1610G.
Identifiers: ClinVar variation 2042200 (VCV002042200.5), dbSNP rs1791231491, ClinGen allele CA368312786.

ClinVar aggregate classification (germline): Uncertain significance. Review status: criteria provided, multiple submitters, no conflicts (2 of 4 stars). 2 submissions from 2 submitters: Uncertain significance (2). Last evaluated 2026-02-17.

Conditions:
Inborn genetic diseases. Identifiers: MedGen C0950123, MeSH D030342.

Allele frequency attached by ClinVar (database versions not stated): TOPMed below 0.00001.

Submissions (2):

Ambry Genetics
Classification: Uncertain significance for Inborn genetic diseases. Last evaluated: 2026-02-17. Review status: criteria provided, single submitter. Criteria: Ambry Variant Classification Scheme 2023. Collection method: clinical testing. Allele origin: germline.

Labcorp Genetics (formerly Invitae), Labcorp
Classification: Uncertain significance. Last evaluated: 2022-07-30. Review status: criteria provided, single submitter. Criteria: Invitae Variant Classification Sherloc (09022015). Collection method: clinical testing. Allele origin: germline.
Comment: This sequence change replaces valine, which is neutral and non-polar, with glycine, which is neutral and non-polar, at codon 1585 of the TRRAP protein (p.Val1585Gly). This variant is not present in population databases (gnomAD no frequency). This variant has not been reported in the literature in individuals affected with TRRAP-related conditions. Algorithms developed to predict the effect of missense changes on protein structure and function are either unavailable or do not agree on the potential impact of this missense change (SIFT: "Tolerated"; PolyPhen-2: "Possibly Damaging"; Align-GVGD: "Class C0"). In summary, the available evidence is currently insufficient to determine the role of this variant in disease. Therefore, it has been classified as a Variant of Uncertain Significance.